The following is an entry in ClinVar:

ClinVar aggregate classification (germline): Pathogenic (1 of 4 stars; one submission).

Conditions:
Duchenne muscular dystrophy (DMD). Also called: MUSCULAR DYSTROPHY, PSEUDOHYPERTROPHIC PROGRESSIVE, DUCHENNE TYPE; Duchenne Muscular Dystrophy (DMD). Identifiers: Orphanet 98896, MedGen C0013264, MONDO:0010679, OMIM 310200.

Submission:

Labcorp Genetics (formerly Invitae), Labcorp
Classification: Pathogenic for Duchenne muscular dystrophy. Last evaluated: 2019-11-13. Review status: criteria provided, single submitter. Criteria: Invitae Variant Classification Sherloc (09022015). Collection method: clinical testing. Allele origin: germline.
Comment: This variant is not present in population databases (ExAC no frequency). This sequence change creates a premature translational stop signal (p.Val1003Glufs*10) in the DMD gene. It is expected to result in an absent or disrupted protein product. This variant has not been reported in the literature in individuals with DMD-related conditions. Loss-of-function variants in DMD are known to be pathogenic (PMID: 16770791, 25007885). For these reasons, this variant has been classified as Pathogenic.

Literature cited by the submitters: PubMed 16770791; PubMed 25007885.

NM_004006.3(DMD):c.3008_3009del (p.Val1003fs)

Gene: DMD (dystrophin; minus strand). Cytogenetic location: Xp21.1.
Variant type: Microsatellite.
Coding change: c.3008_3009del on transcript NM_004006.3 (MANE Select); coding-DNA positions 3008 to 3009, 2 bases deleted (TG; older notation c.3008_3009delTG).
Protein change: p.Val1003fs; shifts the reading frame from valine 1003.
Molecular consequence: frameshift variant.
Genome position (GRCh38, 1-based): chrX:32,468,651-32,468,652, CA deleted on the plus strand (TG on the coding strand, the reverse complement: DMD is on the minus strand); deleting any 2 consecutive bases within chrX:32,468,651-32,468,654 gives the same sequence; the c. name uses the placement nearest the transcript's 3' end. VCF-style (leftmost placement, unchanged base first): chrX-32468650-TCA-T. GRCh37 (hg19) VCF-style: chrX-32486767-TCA-T.
Other names: c.2984_2985del, p.Val995fs (NM_000109.4); c.2996_2997del, p.Val999fs (NM_004009.3); c.2639_2640del, p.Val880fs (NM_004010.3); short protein forms V880fs, V995fs, V999fs, V1003fs.
Identifiers: ClinVar variation 971303 (VCV000971303.8), dbSNP rs2040303197, ClinGen allele CA2422817785.
Genomic context (GRCh38, chrX:32,468,650, plus strand): 5'-CTTCAAATTCTGATTGATATTTCCGGCTAATTTCAGAGGGCGCTTTCTTCGACATCTCTT[TCA>T]CAGTGGTGCTGAGATAGTATAGGCCACTTTGTTGCTCTTGCAGAGAACTTTGTAAAGCCT-3'